The following is an entry in ClinVar:

NM_001197104.2(KMT2A):c.9565delinsGAAGGC (p.Ile3189fs)

Gene: KMT2A (lysine methyltransferase 2A; plus strand). Cytogenetic location: 11q23.3.
Variant type: Indel.
Coding change: c.9565delinsGAAGGC on transcript NM_001197104.2 (MANE Select); coding-DNA position 9565, A replaced by GAAGGC.
Protein change: p.Ile3189fs; shifts the reading frame from isoleucine 3189.
Molecular consequence: frameshift variant.
Genome position (GRCh38, 1-based): chr11:118,505,457, A replaced by GAAGGC. VCF-style: chr11-118505457-A-GAAGGC. GRCh37 (hg19) VCF-style: chr11-118376172-A-GAAGGC.
Other names: c.9556delinsGAAGGC, p.Ile3186fs (NM_005933.4); short protein forms I3186fs, I3189fs.
Identifiers: ClinVar variation 817149 (VCV000817149.1), dbSNP rs1591285040, ClinGen allele CA915947762.
Genomic context (GRCh38, chr11:118,505,457, plus strand): 5'-CCTGCAGCTACTCAAAGTAGTTTCCCACCAAACATCAGCAATCCTCCTTCAGGCCTGCTT[A>GAAGGC]TTGGGGTTCAGCCTCCTCCGGATCCCCAACTTTTGGTTTCAGAATCCAGCCAGAGGACAG-3'

ClinVar aggregate classification (germline): Pathogenic (1 of 4 stars; one submission).

Submission:

GeneDx
Classification: Pathogenic. Last evaluated: 2018-07-19. Review status: criteria provided, single submitter. Criteria: GeneDx Variant Classification (06012015). Collection method: clinical testing. Allele origin: germline. Affected: yes.
Comment: The c.9565delAinsGAAGGC variant in the KMT2A gene has not been reported previously as a pathogenic variant nor as a benign variant, to our knowledge. This variant causes a frameshift starting with codon Isoleucine 3189, changes this amino acid to a Glutamic Acid residue, and creates a premature Stop codon at position 28 of the new reading frame, denoted p.Ile3189GlufsX28. This variant is predicted to cause loss of normal protein function either through protein truncation or nonsense-mediated mRNA decay. The c.9565delAinsGAAGGC variant is not observed in large population cohorts (Lek et al., 2016). We interpret c.9565delAinsGAAGGC as a pathogenic variant